The following is an entry in ClinVar:

ClinVar aggregate classification (germline): Pathogenic (1 of 4 stars; one submission).

Conditions:
CHARGE syndrome (CHARGE). Also called: Hittner Hirsch Kreh syndrome; CHARGE ASSOCIATION--COLOBOMA, HEART ANOMALY, CHOANAL ATRESIA, RETARDATION, GENITAL AND EAR ANOMALIES; Coloboma, heart anomaly, choanal atresia, retardation, genital and ear anomalies; CHARGE association; Hall-Hittner syndrome. Identifiers: Orphanet 138, MedGen C0265354, MONDO:0008965.

Submission:

Labcorp Genetics (formerly Invitae), Labcorp
Classification: Pathogenic for CHARGE syndrome. Last evaluated: 2019-03-04. Review status: criteria provided, single submitter. Criteria: Invitae Variant Classification Sherloc (09022015). Collection method: clinical testing. Allele origin: germline.
Comment: For these reasons, this variant has been classified as Pathogenic. Loss-of-function variants in CHD7 are known to be pathogenic (PMID: 22461308, 25077900). This variant has not been reported in the literature in individuals with CHD7-related conditions. This variant is not present in population databases (ExAC no frequency). This sequence change creates a premature translational stop signal (p.Glu423Lysfs*40) in the CHD7 gene. It is expected to result in an absent or disrupted protein product.

Literature cited by the submitters: PubMed 22461308; PubMed 25077900.

NM_017780.4(CHD7):c.1267del (p.Glu423fs)

Gene: CHD7 (chromodomain helicase DNA binding protein 7; plus strand). Cytogenetic location: 8q12.2.
Variant type: Deletion.
Coding change: c.1267del on transcript NM_017780.4 (MANE Select); coding-DNA position 1267, one base deleted (G; older notation c.1267delG).
Protein change: p.Glu423fs; shifts the reading frame from glutamic acid 423.
Molecular consequence: frameshift variant.
Genome position (GRCh38, 1-based): chr8:60,742,699, G deleted; the last of 2 consecutive G bases (chr8:60,742,698-60,742,699); deleting either gives the same sequence. VCF-style (leftmost placement, unchanged base first): chr8-60742697-TG-T. GRCh37 (hg19) VCF-style: chr8-61655256-TG-T.
Other names: c.1267del, p.Glu423fs (NM_001316690.1); short protein forms E423fs.
Identifiers: ClinVar variation 841990 (VCV000841990.7), dbSNP rs1809110580, ClinGen allele CA916080395.
Genomic context (GRCh38, chr8:60,742,697, plus strand): 5'-TGAGTAATCCAGCAGGCACTCCTCCTCCACAAGTCAGGCCGGGAAGTGCTGGGATACCAA[TG>T]GAAGTTGGCAGTTATCCAAATATGCCCCATCCTCAGCCATCTCACCAGCCCCCTGGTGCC-3'